The following is an entry in ClinVar:

ClinVar aggregate classification (germline): Uncertain significance (1 of 4 stars; one submission).

Allele frequency attached by ClinVar (database versions not stated): TOPMed below 0.00001; gnomAD 0.00001; ExAC 0.00002; gnomAD exomes 0.00002.

Submission:

Labcorp Genetics (formerly Invitae), Labcorp
Classification: Uncertain significance. Last evaluated: 2021-09-15. Review status: criteria provided, single submitter. Criteria: Invitae Variant Classification Sherloc (09022015). Collection method: clinical testing. Allele origin: germline.
Comment: This sequence change replaces serine with proline at codon 67 of the TIMM50 protein (p.Ser67Pro). The serine residue is weakly conserved and there is a moderate physicochemical difference between serine and proline. This variant is present in population databases (rs777022276, ExAC 0.04%). This variant has not been reported in the literature in individuals affected with TIMM50-related conditions. Algorithms developed to predict the effect of missense changes on protein structure and function are either unavailable or do not agree on the potential impact of this missense change (SIFT: "Not Available"; PolyPhen-2: "Possibly Damaging"; Align-GVGD: "Not Available"). In summary, the available evidence is currently insufficient to determine the role of this variant in disease. Therefore, it has been classified as a Variant of Uncertain Significance.

NC_000019.10:g.39480743T>C

Gene: TIMM50 (translocase of inner mitochondrial membrane 50; plus strand). Cytogenetic location: 19q13.2.
Variant type: single nucleotide variant.
Genome position: GRCh38 VCF-style: chr19-39480743-T-C. GRCh37 (hg19) VCF-style: chr19-39971383-T-C.
Identifiers: ClinVar variation 1464971 (VCV001464971.6), dbSNP rs777022276, ClinGen allele CA9431581.